The following is an entry in ClinVar:

ClinVar aggregate classification (germline): Uncertain significance (1 of 4 stars; one submission).

Conditions:
Cardiovascular phenotype. Identifiers: MedGen CN230736.

Submission:

Ambry Genetics
Classification: Uncertain significance for Cardiovascular phenotype. Last evaluated: 2025-07-03. Review status: criteria provided, single submitter. Criteria: Ambry Variant Classification Scheme 2023. Collection method: clinical testing. Allele origin: germline.
Comment: The p.G3315R variant (also known as c.9943G>A), located in coding exon 2 of the ZNF469 gene, results from a G to A substitution at nucleotide position 9943. The glycine at codon 3315 is replaced by arginine, an amino acid with dissimilar properties. This amino acid position is conserved. In addition, this alteration is predicted to be tolerated by in silico analysis. Based on the available evidence, the clinical significance of this variant remains unclear.

NM_001127464.1:c.9943G>A

Gene: ZNF469 (zinc finger protein 469; plus strand).
Variant type: single nucleotide variant.
Identifiers: ClinVar variation 4209155 (VCV004209155.1).